The following is an entry in ClinVar:

ClinVar aggregate classification (germline): Uncertain significance (1 of 4 stars; one submission).

Conditions:
Charcot-Marie-Tooth disease axonal type 2T. Identifiers: Orphanet 443950, MedGen C4015635, OMIM 617017, MONDO:0014866.

Submission:

3billion
Classification: Uncertain significance for Charcot-Marie-Tooth disease axonal type 2T. Last evaluated: 2024-11-25. Review status: criteria provided, single submitter. Criteria: ACMG Guidelines, 2015. Collection method: clinical testing. Allele origin: germline. Affected: yes.
Comment: The variant is not observed in the gnomAD v4.1.0 dataset. Predicted Consequence/Location: Intron variant In silico tools predict the variant to alter splicing and produce an abnormal transcript [SpliceAI: 0.21 (>=0.2, moderate evidence for spliceogenicity)]. Therefore, this variant is classified as VUS according to the recommendation of ACMG/AMP guideline.

NM_007289.4(MME):c.196+2658T>C

Gene: MME (membrane metalloendopeptidase; plus strand). Cytogenetic location: 3q25.2.
Variant type: single nucleotide variant.
Coding change: c.196+2658T>C on transcript NM_007289.4 (MANE Select); 2658 bases into the intron after coding-DNA position 196, T replaced by C.
Molecular consequence: intron variant.
Genome position (GRCh38, 1-based): chr3:155,087,752, T>C. VCF-style: chr3-155087752-T-C. GRCh37 (hg19) VCF-style: chr3-154805541-T-C.
Other names: c.196+2658T>C (NM_001354642.2, NM_000902.5, NM_007287.4 and 2 more transcripts); c.197-2082T>C (NM_001354644.1).
Identifiers: ClinVar variation 4294070 (VCV004294070.1).